The following is an entry in ClinVar:

ClinVar aggregate classification (germline): Uncertain significance (1 of 4 stars; one submission).

Conditions:
F2-related disorder. Also called: F2-related condition; F2-related disorders.

Submission:

PreventionGenetics, part of Exact Sciences
Classification: Uncertain significance for F2-related condition. Last evaluated: 2025-06-25. Review status: criteria provided, single submitter. Criteria: ACMG Guidelines, 2015. Collection method: clinical testing. Allele origin: germline.
Comment: The F2 c.1684G>A variant is predicted to result in the amino acid substitution p.Asp562Asn. To our knowledge, this variant has not been reported in the literature or in a large population database (gnomAD), indicating this variant is rare. At this time, the clinical significance of this variant is uncertain due to the absence of conclusive functional and genetic evidence.

NM_000506.5(F2):c.1684G>A (p.Asp562Asn)

Gene: F2 (coagulation factor II, thrombin; plus strand). Cytogenetic location: 11p11.2.
Variant type: single nucleotide variant.
Coding change: c.1684G>A on transcript NM_000506.5 (MANE Select); coding-DNA position 1684, G replaced by A.
Protein change: p.Asp562Asn; replaces aspartic acid 562 with asparagine.
Molecular consequence: missense variant.
Genome position (GRCh38, 1-based): chr11:46,739,077, G>A. VCF-style: chr11-46739077-G-A. GRCh37 (hg19) VCF-style: chr11-46760627-G-A.
Other names: short protein forms D562N.
Identifiers: ClinVar variation 4998318 (VCV004998318.1).